The following is an entry in ClinVar:

ClinVar aggregate classification (germline): Uncertain significance (1 of 4 stars; one submission).

gnomAD v4.1: 9 of 1,580,248 alleles (0.00057%); highest among the groups gnomAD compares: Admixed American, 0.0035%; no homozygotes.

Submission:

Labcorp Genetics (formerly Invitae), Labcorp
Classification: Uncertain significance. Last evaluated: 2024-12-27. Review status: criteria provided, single submitter. Criteria: Invitae Variant Classification Sherloc (09022015). Collection method: clinical testing. Allele origin: germline.
Comment: This sequence change replaces alanine, which is neutral and non-polar, with valine, which is neutral and non-polar, at codon 402 of the SIX5 protein (p.Ala402Val). The frequency data for this variant in the population databases is considered unreliable, as metrics indicate poor data quality at this position in the gnomAD database. This variant has not been reported in the literature in individuals affected with SIX5-related conditions. Invitae Evidence Modeling of protein sequence and biophysical properties (such as structural, functional, and spatial information, amino acid conservation, physicochemical variation, residue mobility, and thermodynamic stability) indicates that this missense variant is not expected to disrupt SIX5 protein function with a negative predictive value of 80%. In summary, the available evidence is currently insufficient to determine the role of this variant in disease. Therefore, it has been classified as a Variant of Uncertain Significance.

NM_175875.5(SIX5):c.1205C>T (p.Ala402Val)

Gene: SIX5 (SIX homeobox 5; minus strand). Cytogenetic location: 19q13.32.
Variant type: single nucleotide variant.
Coding change: c.1205C>T on transcript NM_175875.5 (MANE Select); coding-DNA position 1205, C replaced by T.
Protein change: p.Ala402Val; replaces alanine 402 with valine.
Molecular consequence: missense variant.
Genome position (GRCh38, 1-based): chr19:45,766,754, G>A on the plus strand (C>T on the coding strand, the complement: SIX5 is on the minus strand). VCF-style: chr19-45766754-G-A. GRCh37 (hg19) VCF-style: chr19-46270012-G-A.
Other names: short protein forms A402V.
Identifiers: ClinVar variation 3617138 (VCV003617138.2).